The following is an entry in ClinVar:

ClinVar aggregate classification (germline): Likely benign (0 of 4 stars; one submission).

Conditions:
ARL13B-related disorder. Also called: ARL13B-related condition.

Submission:

PreventionGenetics, part of Exact Sciences
Classification: Likely benign for ARL13B-related condition. Last evaluated: 2021-02-15. Review status: no assertion criteria provided. Collection method: clinical testing. Allele origin: germline.
Comment: This variant is classified as likely benign based on ACMG/AMP sequence variant interpretation guidelines (Richards et al. 2015 PMID: 25741868, with internal and published modifications).

NM_001174150.2(ARL13B):c.1140T>A (p.Pro380=)

Gene: ARL13B (ARF like GTPase 13B; plus strand). Cytogenetic location: 3q11.2.
Variant type: single nucleotide variant.
Coding change: c.1140T>A on transcript NM_001174150.2 (MANE Select); coding-DNA position 1140, T replaced by A.
Protein change: p.Pro380=; no amino-acid change (proline 380 retained).
Molecular consequence: synonymous variant. On other transcripts: non-coding transcript variant (2).
Genome position (GRCh38, 1-based): chr3:94,049,521, T>A. VCF-style: chr3-94049521-T-A. GRCh37 (hg19) VCF-style: chr3-93768365-T-A.
Other names: c.831T>A, p.Pro277= (NM_001174151.2); c.1095T>A, p.Pro365= (NM_001321328.2); c.1140T>A, p.Pro380= (NM_001410782.1, NM_182896.3); c.819T>A, p.Pro273= (NM_144996.4).
Identifiers: ClinVar variation 3037926 (VCV003037926.2), dbSNP rs1166457281, ClinGen allele CA434629964.